The following is an entry in ClinVar:

ClinVar aggregate classification (germline): Likely benign. Review status: criteria provided, multiple submitters, no conflicts (2 of 4 stars). 3 submissions from 3 submitters: Likely benign (2). 1 of the submissions does not count toward it. Last evaluated 2026-07-31.

Conditions:
Cohen syndrome (COH1). Also called: Cutis verticis gyrata, retinitis pigmentosa, and sensorineural deafness; PEPPER SYNDROME. Identifiers: Orphanet 193, MedGen C0265223, MONDO:0008999, OMIM 216550.
VPS13B-related disorder. Also called: VPS13B-related condition.

Allele frequency attached by ClinVar (database versions not stated): ExAC 0.00003; TOPMed 0.00003; 1000 Genomes Project 30x 0.00016; 1000 Genomes Project 0.00020; gnomAD exomes below 0.00001 and 0.00002; gnomAD 0.00001.
gnomAD v4.1: 7 of 1,613,960 alleles (0.00043%); highest among the groups gnomAD compares: East Asian, 0.011%; no homozygotes.

Submissions (3):

PreventionGenetics, part of Exact Sciences
Classification: Likely benign for VPS13B-related condition. Last evaluated: 2026-07-31. Review status: criteria provided, single submitter. Criteria: ACMG Guidelines, 2015. Collection method: clinical testing. Allele origin: germline.
Comment: This variant is classified as likely benign based on ACMG/AMP sequence variant interpretation guidelines (Richards et al. 2015 PMID: 25741868, with internal and published modifications).

Labcorp Genetics (formerly Invitae), Labcorp
Classification: Likely benign for Cohen syndrome. Last evaluated: 2025-11-19. Review status: criteria provided, single submitter. Criteria: Invitae Variant Classification Sherloc (09022015). Collection method: clinical testing. Allele origin: germline.

Natera, Inc.
Classification: Likely benign for Cohen syndrome. Last evaluated: 2020-09-16. Review status: no assertion criteria provided. Collection method: clinical testing. Allele origin: germline. Not counted in ClinVar's aggregate classification.

NM_152564.5(VPS13B):c.7047A>G (p.Leu2349=)

Gene: VPS13B (vacuolar protein sorting 13 homolog B; plus strand). Cytogenetic location: 8q22.2.
Variant type: single nucleotide variant.
Coding change: c.7047A>G on transcript NM_152564.5 (MANE Select); coding-DNA position 7047, A replaced by G.
Protein change: p.Leu2349=; no amino-acid change (leucine 2349 retained).
Molecular consequence: synonymous variant.
Genome position (GRCh38, 1-based): chr8:99,721,044, A>G. VCF-style: chr8-99721044-A-G. GRCh37 (hg19) VCF-style: chr8-100733272-A-G.
Other names: c.7122A>G, p.Leu2374= (NM_017890.5); c.7047A>G (NM_152564.4).
Identifiers: ClinVar variation 747633 (VCV000747633.13), dbSNP rs201133836, ClinGen allele CA4824126.